The following is an entry in ClinVar:

ClinVar aggregate classification (germline): Uncertain significance (1 of 4 stars; one submission).

Allele frequency attached by ClinVar (database versions not stated): TOPMed 0.00002.
gnomAD v4.1: 6 of 1,613,722 alleles (0.00037%); highest among the groups gnomAD compares: Non-Finnish European, 0.00051%; no homozygotes.

Submission:

Labcorp Genetics (formerly Invitae), Labcorp
Classification: Uncertain significance. Last evaluated: 2022-02-24. Review status: criteria provided, single submitter. Criteria: Invitae Variant Classification Sherloc (09022015). Collection method: clinical testing. Allele origin: germline.
Comment: Algorithms developed to predict the effect of missense changes on protein structure and function are either unavailable or do not agree on the potential impact of this missense change (SIFT: "Deleterious"; PolyPhen-2: "Benign"; Align-GVGD: "Class C0"). ClinVar contains an entry for this variant (Variation ID: 998801). This variant has not been reported in the literature in individuals affected with PDE6B-related conditions. This variant is not present in population databases (gnomAD no frequency). This sequence change replaces glutamic acid, which is acidic and polar, with alanine, which is neutral and non-polar, at codon 271 of the PDE6B protein (p.Glu271Ala). In summary, the available evidence is currently insufficient to determine the role of this variant in disease. Therefore, it has been classified as a Variant of Uncertain Significance.

NM_000283.4(PDE6B):c.812A>C (p.Glu271Ala)

Genes: PDE6B (phosphodiesterase 6B; plus strand), PDE6B-AS1 (PDE6B antisense RNA 1; minus strand). Cytogenetic location: 4p16.3.
Variant type: single nucleotide variant.
Coding change: c.812A>C on transcript NM_000283.4 (MANE Select); coding-DNA position 812, A replaced by C.
Protein change: p.Glu271Ala; replaces glutamic acid 271 with alanine.
Molecular consequence: missense variant. On other transcripts: 5 prime UTR variant (5).
Genome position (GRCh38, 1-based): chr4:653,952, A>C. VCF-style: chr4-653952-A-C. GRCh37 (hg19) VCF-style: chr4-647741-A-C.
Other names: c.812A>C, p.Glu271Ala (NM_001145291.2); c.-26A>C (NM_001145292.2, NM_001350154.3, NM_001379246.1 and 1 more transcripts); c.-229A>C (NM_001350155.3); short protein forms E271A.
Identifiers: ClinVar variation 998801 (VCV000998801.9), dbSNP rs1365261261, ClinGen allele CA355911404.
Genomic context (GRCh38, chr4:653,952, plus strand): 5'-CGGACATCGAGAGGCAGTTCCACAAGGCCTTCTACACGGTGCGGGCCTACCTCAACTGCG[A>C]GCGGTACTCCGTGGGCCTCCTGGACATGACCAAGGAGAAGGTGAGGCTTCCGTGGCTCAG-3'
Protein context (NP_000274.3, residues 261-281): FYTVRAYLNC[Glu271Ala]RYSVGLLDMT